The following is an entry in ClinVar:

ClinVar aggregate classification (germline): Likely pathogenic. Review status: criteria provided, multiple submitters, no conflicts (2 of 4 stars). 3 submissions from 3 submitters: Likely pathogenic (3). Last evaluated 2026-08-06.

Conditions:
Familial cancer of breast. Also called: BREAST CANCER, FAMILIAL; hereditary breast carcinoma; Hereditary breast cancer. Identifiers: Orphanet 227535, MedGen C0346153, MONDO:0016419, OMIM 114480. Disease mechanism: loss of function.
Hereditary cancer-predisposing syndrome. Also called: Hereditary neoplastic syndrome; Hereditary Cancer Syndrome; Neoplastic Syndromes, Hereditary; Tumor predisposition. Identifiers: Orphanet 140162, MedGen C0027672, MeSH D009386, MONDO:0015356.

Submissions (3):

Ambry Genetics
Classification: Likely pathogenic for Hereditary cancer-predisposing syndrome. Last evaluated: 2026-08-06. Review status: criteria provided, single submitter. Criteria: Ambry Variant Classification Scheme 2023. Collection method: clinical testing. Allele origin: germline.
Comment: The p.G167R variant (also known as c.499G>C), located in coding exon 3 of the CHEK2 gene, results from a G to C substitution at nucleotide position 499. The glycine at codon 167 is replaced by arginine, an amino acid with dissimilar properties. Other variant(s) resulting in the same amino acid change (p.G167R (c.499G>A)) have been identified in individual(s) with CHEK2-related cancer predisposition (Ambry internal data). This amino acid position is highly conserved in available vertebrate species. In addition, this alteration is predicted to be deleterious by in silico analysis. This variant is considered to be rare based on population cohorts in the Genome Aggregation Database (gnomAD). Based on the majority of available evidence to date, this variant is likely to be pathogenic.

Labcorp Genetics (formerly Invitae), Labcorp
Classification: Likely pathogenic for Familial cancer of breast. Last evaluated: 2024-04-29. Review status: criteria provided, single submitter. Criteria: Invitae Variant Classification Sherloc (09022015). Collection method: clinical testing. Allele origin: germline.
Comment: This sequence change replaces glycine, which is neutral and non-polar, with arginine, which is basic and polar, at codon 167 of the CHEK2 protein (p.Gly167Arg). This variant is not present in population databases (gnomAD no frequency). This missense change has been observed in individual(s) with breast cancer, prostate cancer, and/or ovarian cancer (PMID: 12533788, 15095295, 22419737, 25452411, 25503501, 26976419, 27616075, 28888541, 30322717, 30980208, 31300551, 32805687, 32923877, 35220195, 35418818; Invitae). It has also been observed to segregate with disease in related individuals. ClinVar contains an entry for this variant (Variation ID: 2583233). An algorithm developed to predict the effect of missense changes on protein structure and function (PolyPhen-2) suggests that this variant is likely to be disruptive. Experimental studies have shown that this missense change affects CHEK2 function (PMID: 22419737, 34903604, 36468172). In summary, the currently available evidence indicates that the variant is pathogenic, but additional data are needed to prove that conclusively. Therefore, this variant has been classified as Likely Pathogenic.

Myriad Genetics, Inc.
Classification: Likely pathogenic for Familial cancer of breast. Last evaluated: 2023-06-26. Review status: criteria provided, single submitter. Criteria: Myriad Autosomal Dominant, Autosomal Recessive and X-Linked Classification Criteria (2023). Collection method: clinical testing. Allele origin: unknown.
Comment: This variant is considered likely pathogenic. This variant is strongly associated with more severe personal and family histories of cancer, typical for individuals with pathogenic variants in this gene [PMID: 25085752].

Literature cited by the submitters: PubMed 12533788 (cited by Labcorp Genetics (formerly Invitae), Labcorp); PubMed 15095295 (cited by Labcorp Genetics (formerly Invitae), Labcorp); PubMed 22419737 (cited by Labcorp Genetics (formerly Invitae), Labcorp); PubMed 25452411 (cited by Labcorp Genetics (formerly Invitae), Labcorp); PubMed 25503501 (cited by Labcorp Genetics (formerly Invitae), Labcorp); PubMed 26976419 (cited by Labcorp Genetics (formerly Invitae), Labcorp); PubMed 27616075 (cited by Labcorp Genetics (formerly Invitae), Labcorp); PubMed 28888541 (cited by Labcorp Genetics (formerly Invitae), Labcorp); PubMed 30322717 (cited by Labcorp Genetics (formerly Invitae), Labcorp); PubMed 30980208 (cited by Labcorp Genetics (formerly Invitae), Labcorp); PubMed 31300551 (cited by Labcorp Genetics (formerly Invitae), Labcorp); PubMed 32805687 (cited by Labcorp Genetics (formerly Invitae), Labcorp); PubMed 32923877 (cited by Labcorp Genetics (formerly Invitae), Labcorp); PubMed 35220195 (cited by Labcorp Genetics (formerly Invitae), Labcorp); PubMed 35418818 (cited by Labcorp Genetics (formerly Invitae), Labcorp); PubMed 34903604 (cited by Labcorp Genetics (formerly Invitae), Labcorp); PubMed 36468172 (cited by Labcorp Genetics (formerly Invitae), Labcorp); PubMed 25085752 (cited by Myriad Genetics, Inc.).

NM_007194.4(CHEK2):c.499G>C (p.Gly167Arg)

Gene: CHEK2 (checkpoint kinase 2; minus strand). Cytogenetic location: 22q12.1.
Variant type: single nucleotide variant.
Coding change: c.499G>C on transcript NM_007194.4 (MANE Select); coding-DNA position 499, G replaced by C.
Protein change: p.Gly167Arg; replaces glycine 167 with arginine.
Molecular consequence: missense variant. On other transcripts: 5 prime UTR variant (2), intron variant (1).
Genome position (GRCh38, 1-based): chr22:28,725,070, C>G on the plus strand (G>C on the coding strand, the complement: CHEK2 is on the minus strand). VCF-style: chr22-28725070-C-G. GRCh37 (hg19) VCF-style: chr22-29121058-C-G.
Other names: c.628G>C, p.Gly210Arg (NM_001005735.3, NM_001438294.1); c.-279G>C (NM_001257387.3); c.-165G>C (NM_001437942.1); c.592G>C, p.Gly198Arg (NM_001438293.1, NM_001438295.1); c.499G>C, p.Gly167Arg (NM_145862.3); c.445-147G>C (NM_001349956.3); c.499G>C (NM_007194.3); short protein forms G167R, G210R, G198R.
Identifiers: ClinVar variation 2583233 (VCV002583233.5), dbSNP rs72552322, ClinGen allele CA411107461.